The following is an entry in ClinVar:

NM_005260.7(GDF9):c.1275C>A (p.Ser425Arg)

Gene: GDF9 (growth differentiation factor 9; minus strand). Cytogenetic location: 5q31.1.
Variant type: single nucleotide variant.
Coding change: c.1275C>A on transcript NM_005260.7 (MANE Select); coding-DNA position 1275, C replaced by A.
Protein change: p.Ser425Arg; replaces serine 425 with arginine.
Molecular consequence: missense variant.
Genome position (GRCh38, 1-based): chr5:132,861,679, G>T on the plus strand (C>A on the coding strand, the complement: GDF9 is on the minus strand). VCF-style: chr5-132861679-G-T. GRCh37 (hg19) VCF-style: chr5-132197371-G-T.
Other names: c.1011C>A, p.Ser337Arg (NM_001288824.4, NM_001288825.4, NM_001288826.3 and 2 more transcripts); short protein forms S337R, S425R.
Identifiers: ClinVar variation 3383109 (VCV003383109.3).
Genomic context (GRCh38, chr5:132,861,679, plus strand): 5'-ATCTTCGTACTCTTTATAGGCAATTGAGCCATCGGGCTCAATGGTCAAAACACTCAAGGG[G>T]CTGTATTTGGCAGGTACACATGACGGTCTTGGCACTGAGGAGTCCAGCTTCTCATAGATG-3'
Protein context (NP_005251.1, residues 415-435): PRPSCVPAKY[Ser425Arg]PLSVLTIEPD

ClinVar aggregate classification (germline): Conflicting classifications of pathogenicity. Review status: criteria provided, conflicting classifications (1 of 4 stars). 2 submissions from 2 submitters: Uncertain significance (1); Likely benign (1). Last evaluated 2025-02-16.

Conditions:
Premature ovarian failure 14. Identifiers: MedGen C4693941, MONDO:0044777, OMIM 618014.

Submissions (2):

Laboratory of Genetics, Children's Clinical University Hospital Latvia
Classification: Likely benign. Last evaluated: 2025-02-16. Review status: criteria provided, single submitter. Criteria: ACMG Guidelines, 2015. Collection method: clinical testing. Allele origin: germline. Affected: yes.

Juno Genomics, Hangzhou Juno Genomics, Inc
Classification: Uncertain significance for Premature ovarian failure 14. Review status: criteria provided, single submitter. Criteria: ACMG Guidelines, 2015. Collection method: clinical testing. Allele origin: germline. Affected: yes.
Comment: Well-established in vitro or in vivo functional studies supportive of a damaging effect on the gene or gene product.